The following is an entry in ClinVar:

ClinVar aggregate classification (germline): Uncertain significance (1 of 4 stars; one submission).

Allele frequency attached by ClinVar (database versions not stated): ExAC 0.00002; gnomAD 0.00002; gnomAD exomes 0.00002; TOPMed 0.00002; ESP Exome Variant Server 0.00008; 1000 Genomes Project 30x 0.00016; 1000 Genomes Project 0.00020.
gnomAD v4.1: 26 of 1,550,686 alleles (0.0017%); highest among the groups gnomAD compares: Middle Eastern, 0.051%; 1 homozygote.

Submission:

Labcorp Genetics (formerly Invitae), Labcorp
Classification: Uncertain significance. Last evaluated: 2025-10-06. Review status: criteria provided, single submitter. Criteria: Invitae Variant Classification Sherloc (09022015). Collection method: clinical testing. Allele origin: germline.
Comment: This sequence change replaces methionine, which is neutral and non-polar, with valine, which is neutral and non-polar, at codon 97 of the PLK4 protein (p.Met97Val). This variant is present in population databases (rs147765170, gnomAD 0.004%). This variant has not been reported in the literature in individuals affected with PLK4-related conditions. ClinVar contains an entry for this variant (Variation ID: 1502363). An algorithm developed to predict the effect of missense changes on protein structure and function (PolyPhen-2) suggests that this variant is likely to be tolerated. In summary, the available evidence is currently insufficient to determine the role of this variant in disease. Therefore, it has been classified as a Variant of Uncertain Significance.

NM_014264.5(PLK4):c.289A>G (p.Met97Val)

Gene: PLK4 (polo like kinase 4; plus strand). Cytogenetic location: 4q28.1.
Variant type: single nucleotide variant.
Coding change: c.289A>G on transcript NM_014264.5 (MANE Select); coding-DNA position 289, A replaced by G.
Protein change: p.Met97Val; replaces methionine 97 with valine.
Molecular consequence: missense variant.
Genome position (GRCh38, 1-based): chr4:127,883,505, A>G. VCF-style: chr4-127883505-A-G. GRCh37 (hg19) VCF-style: chr4-128804660-A-G.
Other names: c.193A>G, p.Met65Val (NM_001190799.2); c.166A>G, p.Met56Val (NM_001190801.2); short protein forms M65V, M56V, M97V.
Identifiers: ClinVar variation 1502363 (VCV001502363.4), dbSNP rs147765170, ClinGen allele CA3076540.